The following is an entry in ClinVar:

ClinVar aggregate classification (germline): Likely pathogenic (1 of 4 stars; one submission).

Conditions:
TECTA-related disorder. Also called: TECTA-related condition.

gnomAD v4.1: 1 of 1,614,264 alleles (0.000062%); no homozygotes.

Submission:

PreventionGenetics, part of Exact Sciences
Classification: Likely pathogenic for TECTA-related condition. Last evaluated: 2023-03-16. Review status: criteria provided, single submitter. Criteria: ACMG Guidelines, 2015. Collection method: clinical testing. Allele origin: germline.
Comment: The TECTA c.3842G>T variant is predicted to result in the amino acid substitution p.Cys1281Phe. This variant is reported in 0.0046% of alleles in individuals of European (Finnish) descent in gnomAD. A different substitution at this amino acid position (p.Cys1281Arg) has been reported in a patient with nonsyndromic hearing loss (Morgan et al 2020. PubMed ID: 33105617). This variant is interpreted as likely pathogenic.

NM_005422.4(TECTA):c.3842G>T (p.Cys1281Phe)

Genes: TBCEL-TECTA (TBCEL-TECTA readthrough; plus strand), TECTA (tectorin alpha; plus strand). Cytogenetic location: 11q23.3.
Variant type: single nucleotide variant.
Coding change: c.3842G>T on transcript NM_005422.4 (MANE Select); coding-DNA position 3842, G replaced by T.
Protein change: p.Cys1281Phe; replaces cysteine 1281 with phenylalanine.
Molecular consequence: missense variant.
Genome position (GRCh38, 1-based): chr11:121,145,853, G>T. VCF-style: chr11-121145853-G-T. GRCh37 (hg19) VCF-style: chr11-121016562-G-T.
Other names: c.4799G>T, p.Cys1600Phe (NM_001378761.1); short protein forms C1281F, C1600F.
Identifiers: ClinVar variation 2629859 (VCV002629859.1), dbSNP rs1315696593, ClinGen allele CA383022627.
Genomic context (GRCh38, chr11:121,145,853, plus strand): 5'-CGAGTGTCAATGAGTTTGGGCAGAGCTGGGTGAAGAGGGACACCTTCTGCCAGGTGGGCT[G>T]TGGGGACCGCTGTCCGTCCTGTGCCAAGGTGGAAGGTTTCTCCAAAGTGCAGCAGCTGTG-3'
Protein context (NP_005413.2, residues 1271-1291): VKRDTFCQVG[Cys1281Phe]GDRCPSCAKV